The following is an entry in ClinVar:

ClinVar aggregate classification (germline): Uncertain significance. Review status: criteria provided, multiple submitters, no conflicts (2 of 4 stars). 2 submissions from 2 submitters: Uncertain significance (2). Last evaluated 2024-02-07.

Conditions:
Familial focal epilepsy with variable foci (FPEVF). Identifiers: Orphanet 98820, MedGen C1858477, MONDO:0020310.
Inborn genetic diseases. Identifiers: MedGen C0950123, MeSH D030342.

Allele frequency attached by ClinVar (database versions not stated): TOPMed below 0.00001; gnomAD 0.00001.
gnomAD v4.1: 9 of 1,614,094 alleles (0.00056%); highest among the groups gnomAD compares: Non-Finnish European, 0.00076%; no homozygotes.

Submissions (2):

Labcorp Genetics (formerly Invitae), Labcorp
Classification: Uncertain significance for Familial focal epilepsy with variable foci. Last evaluated: 2024-02-07. Review status: criteria provided, single submitter. Criteria: Invitae Variant Classification Sherloc (09022015). Collection method: clinical testing. Allele origin: germline.
Comment: This sequence change replaces aspartic acid, which is acidic and polar, with glutamic acid, which is acidic and polar, at codon 568 of the DEPDC5 protein (p.Asp568Glu). This variant is present in population databases (no rsID available, gnomAD 0.007%). This variant has not been reported in the literature in individuals affected with DEPDC5-related conditions. ClinVar contains an entry for this variant (Variation ID: 940948). Experimental studies and prediction algorithms are not available or were not evaluated, and the functional significance of this variant is currently unknown. In summary, the available evidence is currently insufficient to determine the role of this variant in disease. Therefore, it has been classified as a Variant of Uncertain Significance.

Ambry Genetics
Classification: Uncertain significance for Inborn genetic diseases. Last evaluated: 2023-05-23. Review status: criteria provided, single submitter. Criteria: Ambry Variant Classification Scheme 2023. Collection method: clinical testing. Allele origin: germline.

NM_001242896.3(DEPDC5):c.1704C>G (p.Asp568Glu)

Gene: DEPDC5 (DEP domain containing 5, GATOR1 subcomplex subunit; plus strand). Cytogenetic location: 22q12.3.
Variant type: single nucleotide variant.
Coding change: c.1704C>G on transcript NM_001242896.3 (MANE Select); coding-DNA position 1704, C replaced by G.
Protein change: p.Asp568Glu; replaces aspartic acid 568 with glutamic acid.
Molecular consequence: missense variant. On other transcripts: non-coding transcript variant (5).
Genome position (GRCh38, 1-based): chr22:31,819,059, C>G. VCF-style: chr22-31819059-C-G. GRCh37 (hg19) VCF-style: chr22-32215045-C-G.
Other names: c.1704C>G, p.Asp568Glu (NM_001136029.4, NM_001242897.2, NM_001363852.2 and 6 more transcripts); c.1620C>G, p.Asp540Glu (NM_001369901.1, NM_001369902.1); short protein forms D540E, D568E.
Identifiers: ClinVar variation 940948 (VCV000940948.11), dbSNP rs1236432902, ClinGen allele CA411280376.
Genomic context (GRCh38, chr22:31,819,059, plus strand): 5'-CTCAACTCCATGATAACTGGCAGATGTCCTGGAGAACATGATGGAGCCACCACAGCGAGA[C>G]TCCAGTGCACCAGGGAGGTTTCACGTTGGCAGTGCAGAATCCATGCTGCATGTTCGACCT-3'
Protein context (NP_001229825.1, residues 558-578): LENMMEPPQR[Asp568Glu]SSAPGRFHVG